The following is an entry in ClinVar:

ClinVar aggregate classification (germline): Pathogenic (1 of 4 stars; one submission).

Submission:

Labcorp Genetics (formerly Invitae), Labcorp
Classification: Pathogenic. Last evaluated: 2025-06-02. Review status: criteria provided, single submitter. Criteria: Invitae Variant Classification Sherloc (09022015). Collection method: clinical testing. Allele origin: germline.
Comment: This sequence change creates a premature translational stop signal (p.Leu347Argfs*58) in the OBSL1 gene. It is expected to result in an absent or disrupted protein product. Loss-of-function variants in OBSL1 are known to be pathogenic (PMID: 19481195, 19877176). This variant is not present in population databases (gnomAD no frequency). This variant has not been reported in the literature in individuals affected with OBSL1-related conditions. ClinVar contains an entry for this variant (Variation ID: 3646394). For these reasons, this variant has been classified as Pathogenic.

Literature cited by the submitters: PubMed 19481195; PubMed 19877176.

NM_015311.3(OBSL1):c.1035_1039dup (p.Leu347fs)

Gene: OBSL1 (obscurin like cytoskeletal adaptor 1; minus strand). Cytogenetic location: 2q35.
Variant type: Duplication.
Coding change: c.1035_1039dup on transcript NM_015311.3 (MANE Select); coding-DNA positions 1035 to 1039, 5 bases duplicated (GCCCC; older notation c.1035_1039dupGCCCC).
Protein change: p.Leu347fs; shifts the reading frame from leucine 347.
Molecular consequence: frameshift variant.
Genome position (GRCh38, 1-based): chr2:219,568,298-219,568,302, GGGGC duplicated on the plus strand (GCCCC on the coding strand, the reverse complement: OBSL1 is on the minus strand). VCF-style (leftmost placement, unchanged base first): chr2-219568297-A-AGGGGC. GRCh37 (hg19) VCF-style: chr2-220433019-A-AGGGGC.
Other names: c.1035_1039dup, p.Leu347fs (NM_001173408.2, NM_001173431.2); short protein forms L347fs.
Identifiers: ClinVar variation 3646394 (VCV003646394.2).